The following is an entry in ClinVar:

NM_001035.3(RYR2):c.1147A>G (p.Arg383Gly)

Gene: RYR2 (ryanodine receptor 2; plus strand). Cytogenetic location: 1q43.
Variant type: single nucleotide variant.
Coding change: c.1147A>G on transcript NM_001035.3 (MANE Select); coding-DNA position 1147, A replaced by G.
Protein change: p.Arg383Gly; replaces arginine 383 with glycine.
Molecular consequence: missense variant.
Genome position (GRCh38, 1-based): chr1:237,441,460, A>G. VCF-style: chr1-237441460-A-G. GRCh37 (hg19) VCF-style: chr1-237604760-A-G.
Other names: short protein forms R383G.
Identifiers: ClinVar variation 965337 (VCV000965337.11), dbSNP rs1707894005, ClinGen allele CA345376583.

ClinVar aggregate classification (germline): Uncertain significance. Review status: criteria provided, multiple submitters, no conflicts (2 of 4 stars). 2 submissions from 2 submitters: Uncertain significance (2). Last evaluated 2025-09-03.

Conditions:
Catecholaminergic polymorphic ventricular tachycardia 1. Also called: VENTRICULAR TACHYCARDIA, CATECHOLAMINERGIC POLYMORPHIC, 1, WITH OR WITHOUT ATRIAL DYSFUNCTION AND/OR DILATED CARDIOMYOPATHY; RYR2-Related Catecholaminergic Polymorphic Ventricular Tachycardia; VENTRICULAR TACHYCARDIA, STRESS-INDUCED POLYMORPHIC 1. Identifiers: Orphanet 3286, MedGen C1631597, MONDO:0011484, OMIM 604772.
Cardiomyopathy (CMYO). Also called: Cardiomyopathies. Identifiers: Orphanet 167848, MedGen C0878544, MONDO:0004994, HP:0001638. Inheritance: Various modes of inheritance.

Allele frequency attached by ClinVar (database versions not stated): gnomAD exomes below 0.00001.
gnomAD v4.1: 2 of 1,596,928 alleles (0.00013%); highest among the groups gnomAD compares: Non-Finnish European, 0.000085%; no homozygotes.

Submissions (2):

Color Diagnostics, LLC DBA Color Health
Classification: Uncertain significance for Cardiomyopathy. Last evaluated: 2025-09-03. Review status: criteria provided, single submitter. Criteria: ACMG Guidelines, 2015. Collection method: clinical testing. Allele origin: germline.
Comment: This missense variant replaces arginine with glycine at codon 383 of the RYR2 protein. Computational prediction is inconclusive regarding the impact of this variant on protein structure and function. To our knowledge, functional studies have not been reported for this variant. This variant has been reported in an individual affected with cardiomyopathy and/or arrhythmia (PMID: 35947370). This variant has not been identified in the general population by the Genome Aggregation Database (gnomAD). The available evidence is insufficient to determine the role of this variant in disease conclusively. Therefore, this variant is classified as a Variant of Uncertain Significance.

Labcorp Genetics (formerly Invitae), Labcorp
Classification: Uncertain significance for Catecholaminergic polymorphic ventricular tachycardia 1. Last evaluated: 2023-08-02. Review status: criteria provided, single submitter. Criteria: Invitae Variant Classification Sherloc (09022015). Collection method: clinical testing. Allele origin: germline.
Comment: In summary, the available evidence is currently insufficient to determine the role of this variant in disease. Therefore, it has been classified as a Variant of Uncertain Significance. Advanced modeling of protein sequence and biophysical properties (such as structural, functional, and spatial information, amino acid conservation, physicochemical variation, residue mobility, and thermodynamic stability) performed at Invitae indicates that this missense variant is not expected to disrupt RYR2 protein function. ClinVar contains an entry for this variant (Variation ID: 965337). This variant has not been reported in the literature in individuals affected with RYR2-related conditions. This variant is not present in population databases (gnomAD no frequency). This sequence change replaces arginine, which is basic and polar, with glycine, which is neutral and non-polar, at codon 383 of the RYR2 protein (p.Arg383Gly).

Literature cited by the submitters: PubMed 35947370 (cited by Color Diagnostics, LLC DBA Color Health).